The following is an entry in ClinVar:

NM_130849.4(SLC39A4):c.1089dup (p.Phe364fs)

Gene: SLC39A4 (solute carrier family 39 member 4; minus strand). Cytogenetic location: 8q24.3.
Variant type: Duplication.
Coding change: c.1089dup on transcript NM_130849.4 (MANE Select); coding-DNA position 1089, one base duplicated (C; older notation c.1089dupC).
Protein change: p.Phe364fs; shifts the reading frame from phenylalanine 364.
Molecular consequence: frameshift variant.
Genome position (GRCh38, 1-based): chr8:144,414,322, G duplicated on the plus strand (C on the coding strand, the reverse complement: SLC39A4 is on the minus strand); the first of 2 consecutive G bases (chr8:144,414,322-144,414,323); duplicating either gives the same sequence. VCF-style (leftmost placement, unchanged base first): chr8-144414321-A-AG. GRCh37 (hg19) VCF-style: chr8-145639705-A-AG.
Other names: c.807dup, p.Phe270fs (NM_001374839.1); c.1014dup, p.Phe339fs (NM_017767.3); short protein forms F339fs, F364fs, F270fs.
Identifiers: ClinVar variation 955829 (VCV000955829.6), dbSNP rs1822066969, ClinGen allele CA1139660828.

ClinVar aggregate classification (germline): Pathogenic (1 of 4 stars; one submission).

Submission:

Labcorp Genetics (formerly Invitae), Labcorp
Classification: Pathogenic. Last evaluated: 2022-03-22. Review status: criteria provided, single submitter. Criteria: Invitae Variant Classification Sherloc (09022015). Collection method: clinical testing. Allele origin: germline.
Comment: ClinVar contains an entry for this variant (Variation ID: 955829). For these reasons, this variant has been classified as Pathogenic. This sequence change creates a premature translational stop signal (p.Phe364Leufs*54) in the SLC39A4 gene. It is expected to result in an absent or disrupted protein product. Loss-of-function variants in SLC39A4 are known to be pathogenic (PMID: 12955721). This variant is not present in population databases (gnomAD no frequency). This variant has not been reported in the literature in individuals affected with SLC39A4-related conditions.

Literature cited by the submitters: PubMed 12955721.